The following is an entry in ClinVar:

ClinVar aggregate classification (germline): Likely benign. Review status: criteria provided, multiple submitters, no conflicts (2 of 4 stars). 2 submissions from 2 submitters: Likely benign (2). Last evaluated 2025-11-24.

gnomAD v4.1: 51 of 1,613,610 alleles (0.0032%); highest among the groups gnomAD compares: Admixed American, 0.045%; no homozygotes.

Submissions (2):

Labcorp Genetics (formerly Invitae), Labcorp
Classification: Likely benign. Last evaluated: 2025-11-24. Review status: criteria provided, single submitter. Criteria: Invitae Variant Classification Sherloc (09022015). Collection method: clinical testing. Allele origin: germline.

CeGaT Center for Human Genetics Tuebingen
Classification: Likely benign. Last evaluated: 2022-05-01. Review status: criteria provided, single submitter. Criteria: CeGaT Center For Human Genetics Tuebingen Variant Classification Criteria Version 2. Collection method: clinical testing. Allele origin: germline. Affected: yes. Observed: 1 variant allele.
Comment: DOCK6: BP4, BP7

NM_020812.4(DOCK6):c.2772C>T (p.Arg924=)

Gene: DOCK6 (dedicator of cytokinesis 6; minus strand). Cytogenetic location: 19p13.2.
Variant type: single nucleotide variant.
Coding change: c.2772C>T on transcript NM_020812.4 (MANE Select); coding-DNA position 2772, C replaced by T.
Protein change: p.Arg924=; no amino-acid change (arginine 924 retained).
Molecular consequence: synonymous variant.
Genome position (GRCh38, 1-based): chr19:11,228,982, G>A on the plus strand (C>T on the coding strand, the complement: DOCK6 is on the minus strand). VCF-style: chr19-11228982-G-A. GRCh37 (hg19) VCF-style: chr19-11339658-G-A.
Other names: c.2877C>T, p.Arg959= (NM_001367830.1).
Identifiers: ClinVar variation 2421641 (VCV002421641.31), dbSNP rs201482446, ClinGen allele CA9207493.